The following is an entry in ClinVar:

NM_003738.5(PTCH2):c.2754G>C (p.Gln918His)

Gene: PTCH2 (patched 2; minus strand). Cytogenetic location: 1p34.1.
Variant type: single nucleotide variant.
Coding change: c.2754G>C on transcript NM_003738.5 (MANE Select); coding-DNA position 2754, G replaced by C.
Protein change: p.Gln918His; replaces glutamine 918 with histidine.
Molecular consequence: missense variant.
Genome position (GRCh38, 1-based): chr1:44,826,710, C>G on the plus strand (G>C on the coding strand, the complement: PTCH2 is on the minus strand). VCF-style: chr1-44826710-C-G. GRCh37 (hg19) VCF-style: chr1-45292382-C-G.
Other names: c.2754G>C, p.Gln918His (NM_001166292.2); short protein forms Q918H.
Identifiers: ClinVar variation 1413145 (VCV001413145.6), dbSNP rs2148874271, ClinGen allele CA340093860.
Genomic context (GRCh38, chr1:44,826,710, plus strand): 5'-GCCGGCCTCTGCGCATGCTGCCCGGGCCCCCTCGATGGCCTCCACAAAGTCTGCAGTCTT[C>G]TGGAGGCCACGCAGCAGGAAGGGGAACTGGGCAAACTCCAAGGGCTGAGCTGGCGGGACT-3'
Protein context (NP_003729.3, residues 908-928): AQFPFLLRGL[Gln918His]KTADFVEAIE

ClinVar aggregate classification (germline): Uncertain significance (1 of 4 stars; one submission).

Conditions:
Gorlin syndrome. Also called: Nevoid Basal Cell Carcinoma Syndrome; Basal cell nevus syndrome. Identifiers: Orphanet 377, MedGen C0004779, MONDO:0007187.

Submission:

Labcorp Genetics (formerly Invitae), Labcorp
Classification: Uncertain significance for Gorlin syndrome. Last evaluated: 2021-08-01. Review status: criteria provided, single submitter. Criteria: Invitae Variant Classification Sherloc (09022015). Collection method: clinical testing. Allele origin: germline.
Comment: In summary, the available evidence is currently insufficient to determine the role of this variant in disease. Therefore, it has been classified as a Variant of Uncertain Significance. Algorithms developed to predict the effect of missense changes on protein structure and function (SIFT, PolyPhen-2, Align-GVGD) all suggest that this variant is likely to be tolerated. This variant has not been reported in the literature in individuals affected with PTCH2-related conditions. This variant is not present in population databases (ExAC no frequency). This sequence change replaces glutamine with histidine at codon 918 of the PTCH2 protein (p.Gln918His). The glutamine residue is moderately conserved and there is a small physicochemical difference between glutamine and histidine.